The following is an entry in ClinVar:

ClinVar aggregate classification (germline): Pathogenic (1 of 4 stars; one submission).

Conditions:
Hereditary breast ovarian cancer syndrome. Also called: Hereditary breast and ovarian cancer syndrome; Hereditary breast and ovarian cancer; Hereditary breast and ovarian cancer syndrome (HBOC); Breast and ovarian cancer; Hereditary breast and/or ovarian cancer syndrome; BRCA1- and BRCA2-Associated Hereditary Breast and Ovarian Cancer. Identifiers: Orphanet 145, MedGen C0677776, MeSH D061325, MONDO:0003582. Disease mechanism: loss of function.

Submission:

Laboratory for Molecular Medicine, Mass General Brigham Personalized Medicine
Classification: Pathogenic for Hereditary breast ovarian cancer syndrome. Last evaluated: 2019-01-29. Review status: criteria provided, single submitter. Criteria: ACMG Guidelines, 2015. Collection method: clinical testing. Allele origin: germline. Inheritance: Autosomal dominant inheritance.
Comment: The p.Met1745AsnfsX3 variant in BRCA2 has not been previously reported in individuals with cancer and was absent from large population studies. This variant is predicted to cause a frameshift which alters the amino acid sequence beginning at position 1745 and leads to a premature termination 3 amino acids downstream. This alteration is predicted to lead to a truncated or absent protein. Heterozygous loss of function of the BRCA2 gene is an established disease mechanism in hereditary breast and ovarian cancer. In summary, this variant meets our criteria to be classified as pathogenic for hereditary breast and ovarian cancer in an autosomal dominant manner based upon the predicted impact to the protein.

NM_000059.4(BRCA2):c.5233dup (p.Met1745fs)

Gene: BRCA2 (BRCA2 DNA repair associated; plus strand). Cytogenetic location: 13q13.1.
Variant type: Duplication.
Coding change: c.5233dup on transcript NM_000059.4 (MANE Select); coding-DNA position 5233, one base duplicated (A; older notation c.5233dupA).
Protein change: p.Met1745fs; shifts the reading frame from methionine 1745.
Molecular consequence: frameshift variant. On other transcripts: non-coding transcript variant (1), intron variant (2).
Genome position (GRCh38, 1-based): chr13:32,339,588, A duplicated. VCF-style (leftmost placement, unchanged base first): chr13-32339587-C-CA. GRCh37 (hg19) VCF-style: chr13-32913724-C-CA.
Other names: c.5233dup, p.Met1745fs (NM_001406719.1, NM_001406720.1); c.1910-4970dup (NM_001406721.1); c.425-4970dup (NM_001406722.1); short protein forms M1745fs.
Identifiers: ClinVar variation 3076020 (VCV003076020.1), dbSNP rs2548530289, ClinGen allele CA913188630.